The following is an entry in ClinVar:

NM_000051.4(ATM):c.1410A>C (p.Ser470=)

Gene: ATM (ATM serine/threonine kinase; plus strand). Cytogenetic location: 11q22.3.
Variant type: single nucleotide variant.
Coding change: c.1410A>C on transcript NM_000051.4 (MANE Select); coding-DNA position 1410, A replaced by C.
Protein change: p.Ser470=; no amino-acid change (serine 470 retained).
Molecular consequence: synonymous variant.
Genome position (GRCh38, 1-based): chr11:108,250,875, A>C. VCF-style: chr11-108250875-A-C. GRCh37 (hg19) VCF-style: chr11-108121602-A-C.
Other names: c.1410A>C, p.Ser470= (NM_001351834.2).
Identifiers: ClinVar variation 453363 (VCV000453363.19), dbSNP rs939650649, ClinGen allele CA476744818.

ClinVar aggregate classification (germline): Benign/Likely benign. Review status: criteria provided, multiple submitters, no conflicts (2 of 4 stars). 5 submissions from 5 submitters: Benign (1); Likely benign (4). Last evaluated 2025-04-20.

Conditions:
Hereditary cancer-predisposing syndrome. Also called: Tumor predisposition; Hereditary Cancer Syndrome; Neoplastic Syndromes, Hereditary; Hereditary neoplastic syndrome. Identifiers: Orphanet 140162, MedGen C0027672, MeSH D009386, MONDO:0015356.
Familial cancer of breast. Also called: Hereditary breast cancer; hereditary breast carcinoma; BREAST CANCER, FAMILIAL. Identifiers: Orphanet 227535, MedGen C0346153, MONDO:0016419, OMIM 114480. Disease mechanism: loss of function.
Ataxia-telangiectasia syndrome (AT). Also called: Cerebello-oculocutaneous telangiectasia; Immunodeficiency with ataxia telangiectasia; Ataxia-telangiectasia, complementation group D; AT, COMPLEMENTATION GROUP C; Ataxia-telangiectasia, complementation group E; LOUIS-BAR SYNDROME. Identifiers: Orphanet 100, MedGen C0004135, MONDO:0008840, OMIM 208900.

Submissions (5):

Labcorp Genetics (formerly Invitae), Labcorp
Classification: Likely benign for Ataxia-telangiectasia syndrome. Last evaluated: 2025-04-20. Review status: criteria provided, single submitter. Criteria: Invitae Variant Classification Sherloc (09022015). Collection method: clinical testing. Allele origin: germline.

Myriad Genetics, Inc.
Classification: Benign for Familial cancer of breast. Last evaluated: 2024-04-29. Review status: criteria provided, single submitter. Criteria: Myriad Autosomal Dominant, Autosomal Recessive and X-Linked Classification Criteria (2023). Collection method: clinical testing. Allele origin: unknown.
Comment: This variant is considered benign. This variant is a silent/synonymous amino acid change and it is not expected to impact splicing.

Color Diagnostics, LLC DBA Color Health
Classification: Likely benign for Hereditary cancer-predisposing syndrome. Last evaluated: 2022-06-21. Review status: criteria provided, single submitter. Criteria: ACMG Guidelines, 2015. Collection method: clinical testing. Allele origin: germline.

Sema4
Classification: Likely benign for Hereditary cancer-predisposing syndrome. Last evaluated: 2021-04-20. Review status: criteria provided, single submitter. Criteria: Sema4 Curation Guidelines. Collection method: curation. Allele origin: germline.

Ambry Genetics
Classification: Likely benign for Hereditary cancer-predisposing syndrome. Last evaluated: 2016-03-08. Review status: criteria provided, single submitter. Criteria: Ambry Variant Classification Scheme 2023. Collection method: clinical testing. Allele origin: germline.